The following is an entry in ClinVar:

ClinVar aggregate classification (germline): Uncertain significance (1 of 4 stars; one submission).

Submission:

Ambry Genetics
Classification: Uncertain significance. Last evaluated: 2023-07-03. Review status: criteria provided, single submitter. Criteria: Ambry Variant Classification Scheme 2023. Collection method: clinical testing. Allele origin: germline.
Comment: The p.S11T variant (also known as c.31T>A), located in coding exon 1 of the PRKDC gene, results from a T to A substitution at nucleotide position 31. The serine at codon 11 is replaced by threonine, an amino acid with similar properties. This amino acid position is conserved. In addition, this alteration is predicted to be tolerated by in silico analysis. Since supporting evidence is limited at this time, the clinical significance of this alteration remains unclear.

NM_006904.7(PRKDC):c.31T>A (p.Ser11Thr)

Genes: PRKDC (protein kinase, DNA-activated, catalytic subunit; minus strand), LOC129929030 (ATAC-STARR-seq lymphoblastoid silent region 19177; plus strand). Cytogenetic location: 8q11.21.
Variant type: single nucleotide variant.
Coding change: c.31T>A on transcript NM_006904.7 (MANE Select); coding-DNA position 31, T replaced by A.
Protein change: p.Ser11Thr; replaces serine 11 with threonine.
Molecular consequence: missense variant.
Genome position (GRCh38, 1-based): chr8:47,960,096, A>T on the plus strand (T>A on the coding strand, the complement: PRKDC is on the minus strand). VCF-style: chr8-47960096-A-T. GRCh37 (hg19) VCF-style: chr8-48872656-A-T.
Other names: c.31T>A, p.Ser11Thr (NM_001081640.2); short protein forms S11T.
Identifiers: ClinVar variation 2626331 (VCV002626331.2), dbSNP rs1476039385, ClinGen allele CA371143064.
Genomic context (GRCh38, chr8:47,960,096, plus strand): 5'-CGGCCAGGGCAGCACCGCAGCGGTCCGCAGCGGACAAGGTCTCCTGCAGCCGCAGCAGGG[A>T]GCAACGCACACCGGCTCCGGAGCCCGCCATGCCGCCGAGTCCCGCTCCCGCGCGTGCGCC-3'
Protein context (NP_008835.5, residues 1-21): MAGSGAGVRC[Ser11Thr]LLRLQETLSA